The following is an entry in ClinVar:

NM_201596.3(CACNB2):c.120+360G>C

Gene: CACNB2 (calcium voltage-gated channel auxiliary subunit beta 2; plus strand). Cytogenetic location: 10p12.33.
Variant type: single nucleotide variant.
Coding change: c.120+360G>C on transcript NM_201596.3 (MANE Select); 360 bases into the intron after coding-DNA position 120, G replaced by C.
Molecular consequence: intron variant. On other transcripts: splice donor variant (3).
Genome position (GRCh38, 1-based): chr10:18,141,216, G>C. VCF-style: chr10-18141216-G-C. GRCh37 (hg19) VCF-style: chr10-18430145-G-C.
Other names: c.36+1G>C (NM_201571.4, NM_001167945.2, NM_201572.4); c.120+360G>C (NM_201593.3, NM_201597.3).
Identifiers: ClinVar variation 421938 (VCV000421938.5), dbSNP rs1064795457, ClinGen allele CA16618945.

ClinVar aggregate classification (germline): Uncertain significance (1 of 4 stars; one submission).

Conditions:
Brugada syndrome. Also called: Sudden unexpected nocturnal death syndrome; Sudden Unexplained Death Syndrome; Sudden Unexplained Nocturnal Death Syndrome (SUNDS); Sudden unexplained nocturnal death syndrome. Identifiers: Orphanet 130, MedGen C1142166, MONDO:0015263.

Allele frequency attached by ClinVar (database versions not stated): gnomAD 0.00001; gnomAD exomes 0.00001; TOPMed 0.00001.
gnomAD v4.1: 5 of 1,109,494 alleles (0.00045%); highest among the groups gnomAD compares: African/African-American, 0.0016%; no homozygotes.

Submission:

GeneDx
Classification: Uncertain significance. Last evaluated: 2016-08-08. Review status: criteria provided, single submitter. Criteria: GeneDx Variant Classification (06012015). Collection method: clinical testing. Allele origin: germline. Affected: yes.
Comment: The c.36+1 G>C variant of uncertain significance in an alternate transcript of the CACNB2 gene has not been published as a pathogenic or benign variant to our knowledge. This variant was not observed in approximately 6,000 individuals of European and African American ancestry in the NHLBI Exome Sequencing Project (average read depth 8X). Although the c.36+1 G>C variant destroys the canonical splice donor site for intron 1 in this alternate transcript of the CACNB2 gene, it is located deep within the intron of the default transcript and, in the absence of functional mRNA studies, the physiological consequence of this variant cannot be precisely determined. Furthermore, no other variants in this alternate transcript of CACNB2 have been reported in theHuman Gene Mutation Database in association with Brugada syndrome (Stenson et al., 2014). Therefore, based on the currently available information, it is unclear whether this variant ispathogenic or rare benign.